The following is an entry in ClinVar:

ClinVar aggregate classification (germline): Uncertain significance (1 of 4 stars; one submission).

Conditions:
Carnitine palmitoyl transferase 1A deficiency. Also called: CPT I DEFICIENCY; CPT DEFICIENCY, HEPATIC, TYPE I; Carnitine palmitoyltransferase 1A deficiency; Carnitine palmitoyltransferase type I deficiency; CPT deficiency, hepatic, type IA. Identifiers: Orphanet 156, MedGen C1829703, MONDO:0009705, OMIM 255120.

Allele frequency attached by ClinVar (database versions not stated): gnomAD exomes below 0.00001.
gnomAD v4.1: 1 of 1,613,726 alleles (0.000062%); highest among the groups gnomAD compares: South Asian, 0.0011%; no homozygotes.

Submission:

Labcorp Genetics (formerly Invitae), Labcorp
Classification: Uncertain significance for Carnitine palmitoyl transferase 1A deficiency. Last evaluated: 2022-12-04. Review status: criteria provided, single submitter. Criteria: Invitae Variant Classification Sherloc (09022015). Collection method: clinical testing. Allele origin: germline.
Comment: In summary, the available evidence is currently insufficient to determine the role of this variant in disease. Therefore, it has been classified as a Variant of Uncertain Significance. Algorithms developed to predict the effect of sequence changes on RNA splicing suggest that this variant may disrupt the consensus splice site. Algorithms developed to predict the effect of missense changes on protein structure and function are either unavailable or do not agree on the potential impact of this missense change (SIFT: "Deleterious"; PolyPhen-2: "Probably Damaging"; Align-GVGD: "Class C0"). This variant has not been reported in the literature in individuals affected with CPT1A-related conditions. This variant is not present in population databases (gnomAD no frequency). This sequence change replaces aspartic acid, which is acidic and polar, with tyrosine, which is neutral and polar, at codon 746 of the CPT1A protein (p.Asp746Tyr).

NM_001876.4(CPT1A):c.2236G>T (p.Asp746Tyr)

Gene: CPT1A (carnitine palmitoyltransferase 1A; minus strand). Cytogenetic location: 11q13.3.
Variant type: single nucleotide variant.
Coding change: c.2236G>T on transcript NM_001876.4 (MANE Select); coding-DNA position 2236, G replaced by T.
Protein change: p.Asp746Tyr; replaces aspartic acid 746 with tyrosine.
Molecular consequence: missense variant. On other transcripts: intron variant (1).
Genome position (GRCh38, 1-based): chr11:68,757,730, C>A on the plus strand (G>T on the coding strand, the complement: CPT1A is on the minus strand). VCF-style: chr11-68757730-C-A. GRCh37 (hg19) VCF-style: chr11-68525198-C-A.
Other names: c.2235+1839G>T (NM_001031847.3); short protein forms D746Y.
Identifiers: ClinVar variation 2818503 (VCV002818503.3), dbSNP rs2495496478, ClinGen allele CA381624954.